The following is an entry in ClinVar:

ClinVar aggregate classification (germline): Uncertain significance. Review status: criteria provided, multiple submitters, no conflicts (2 of 4 stars). 2 submissions from 2 submitters: Uncertain significance (2). Last evaluated 2025-12-13.

Conditions:
Tietz syndrome (TADS). Also called: ALBINISM-DEAFNESS OF TIETZ; HYPOPIGMENTATION/DEAFNESS OF TIETZ; TIETZ ALBINISM-DEAFNESS SYNDROME. Identifiers: Orphanet 42665, MedGen C0391816, MONDO:0007077, OMIM 103500.
Waardenburg syndrome type 2A (WS2A). Also called: WAARDENBURG SYNDROME WITHOUT DYSTOPIA CANTHORUM. Identifiers: Orphanet 3440, MedGen C1860339, MONDO:0008671, OMIM 193510.
Melanoma, cutaneous malignant, susceptibility to, 8. Also called: MELANOMA AND RENAL CELL CARCINOMA, SUSCEPTIBILITY TO; Cutaneous malignant melanoma 8. Identifiers: Orphanet 293822, MedGen C3152204, MONDO:0013759, OMIM 614456.
Hereditary cancer-predisposing syndrome. Also called: Neoplastic Syndromes, Hereditary; Tumor predisposition; Hereditary Cancer Syndrome; Hereditary neoplastic syndrome. Identifiers: Orphanet 140162, MedGen C0027672, MeSH D009386, MONDO:0015356.

Submissions (2):

Ambry Genetics
Classification: Uncertain significance for Hereditary cancer-predisposing syndrome. Last evaluated: 2025-12-13. Review status: criteria provided, single submitter. Criteria: Ambry Variant Classification Scheme 2023. Collection method: clinical testing. Allele origin: germline.
Comment: The p.G162V variant (also known as c.485G>T), located in coding exon 5 of the MITF gene, results from a G to T substitution at nucleotide position 485. The glycine at codon 162 is replaced by valine, an amino acid with dissimilar properties. This amino acid position is conserved. In addition, this alteration is predicted to be tolerated by in silico analysis. Based on the available evidence, the clinical significance of this variant remains unclear.

Labcorp Genetics (formerly Invitae), Labcorp
Classification: Uncertain significance for Melanoma, cutaneous malignant, susceptibility to, 8; Waardenburg syndrome type 2A; Tietz syndrome. Last evaluated: 2025-03-04. Review status: criteria provided, single submitter. Criteria: Invitae Variant Classification Sherloc (09022015). Collection method: clinical testing. Allele origin: germline.
Comment: This sequence change replaces glycine, which is neutral and non-polar, with valine, which is neutral and non-polar, at codon 162 of the MITF protein (p.Gly162Val). This variant is not present in population databases (gnomAD no frequency). This variant has not been reported in the literature in individuals affected with MITF-related conditions. Invitae Evidence Modeling of protein sequence and biophysical properties (such as structural, functional, and spatial information, amino acid conservation, physicochemical variation, residue mobility, and thermodynamic stability) has been performed for this missense variant. However, the output from this modeling did not meet the statistical confidence thresholds required to predict the impact of this variant on MITF protein function. In summary, the available evidence is currently insufficient to determine the role of this variant in disease. Therefore, it has been classified as a Variant of Uncertain Significance.

NM_001354604.2(MITF):c.806G>T (p.Gly269Val)

Gene: MITF (melanocyte inducing transcription factor; plus strand). Cytogenetic location: 3p13.
Variant type: single nucleotide variant.
Coding change: c.806G>T on transcript NM_001354604.2 (MANE Select); coding-DNA position 806, G replaced by T.
Protein change: p.Gly269Val; replaces glycine 269 with valine.
Molecular consequence: missense variant.
Genome position (GRCh38, 1-based): chr3:69,949,094, G>T. VCF-style: chr3-69949094-G-T. GRCh37 (hg19) VCF-style: chr3-69998245-G-T.
Other names: c.485G>T, p.Gly162Val (NM_000248.4, NM_198158.3); c.650G>T, p.Gly217Val (NM_001184967.2, NM_001354608.2); c.803G>T, p.Gly268Val (NM_001354605.2, NM_001354606.2, NM_006722.3); c.755G>T, p.Gly252Val (NM_001354607.2); c.806G>T, p.Gly269Val (NM_198159.3); c.758G>T, p.Gly253Val (NM_198177.3); c.317G>T, p.Gly106Val (NM_198178.3); short protein forms G217V, G253V, G269V, G106V, G268V, G162V, G252V.
Identifiers: ClinVar variation 4648884 (VCV004648884.2).